The following is an entry in ClinVar:

ClinVar aggregate classification (germline): Conflicting classifications of pathogenicity. Review status: criteria provided, conflicting classifications (1 of 4 stars). 3 submissions from 2 submitters: Uncertain significance (2); Likely benign (1). Last evaluated 2023-12-13.

Conditions:
Maturity-onset diabetes of the young (MODY). Also called: Maturity onset diabetes mellitus in young. Identifiers: Orphanet 552, MedGen C0342276, MONDO:0018911, HP:0004904.
Transitory neonatal diabetes mellitus. Also called: Transient neonatal diabetes mellitus. Identifiers: MedGen C0342273, MONDO:0020525, HP:0008255.

Allele frequency attached by ClinVar (database versions not stated): gnomAD exomes 0.00001 and 0.00002; TOPMed 0.00002; gnomAD 0.00003; ExAC 0.00005.
gnomAD v4.1: 16 of 1,613,776 alleles (0.00099%); highest among the groups gnomAD compares: South Asian, 0.0066%; 1 homozygote.

Submissions (3):

Labcorp Genetics (formerly Invitae), Labcorp
Classification: Likely benign. Last evaluated: 2023-12-13. Review status: criteria provided, single submitter. Criteria: Invitae Variant Classification Sherloc (09022015). Collection method: clinical testing. Allele origin: germline.

Clinical Genomics, Uppaluri K&H Personalized Medicine Clinic
Classification: Uncertain significance for Maturity-onset diabetes of the young. Review status: criteria provided, single submitter. Criteria: K & H Uppaluri Personalized Medicine Clinic Variant Classification & Assertion Criteria_Updated V.1. Collection method: research. Allele origin: unknown. Inheritance: Somatic mutation.
Comment: Mutations in ABCC8 gene are associated with both neonatal diabetes mellitus as well as MODY. Patients with this mutation may have a better response to sulfonylureas. However, no sufficient evidence is found to ascertain the role of this particular variant (rs775087598) in MODY yet.

Clinical Genomics, Uppaluri K&H Personalized Medicine Clinic
Classification: Uncertain significance for Transitory neonatal diabetes mellitus. Review status: criteria provided, single submitter. Criteria: K & H Uppaluri Personalized Medicine Clinic Variant Classification & Assertion Criteria_Updated V.1. Collection method: research. Allele origin: unknown. Inheritance: Somatic mutation.
Comment: Mutations in ABCC8 gene are associated with both neonatal diabetes mellitus as well as MODY. Patients with this mutation may have a better response to sulfonylureas. However, no sufficient evidence is found to ascertain the role of this particular variant (rs775087598) in neonatal diabetes yet.

Literature cited by the submitters: PubMed 16885549 (cited by Clinical Genomics, Uppaluri K&H Personalized Medicine Clinic); PubMed 21989597 (cited by Clinical Genomics, Uppaluri K&H Personalized Medicine Clinic); PubMed 27538677 (cited by Clinical Genomics, Uppaluri K&H Personalized Medicine Clinic); PubMed 18981553 (cited by Clinical Genomics, Uppaluri K&H Personalized Medicine Clinic); PubMed 32027066 (cited by Clinical Genomics, Uppaluri K&H Personalized Medicine Clinic); PubMed 16613899 (cited by Clinical Genomics, Uppaluri K&H Personalized Medicine Clinic); PubMed 18025408 (cited by Clinical Genomics, Uppaluri K&H Personalized Medicine Clinic); PubMed 32792356 (cited by Clinical Genomics, Uppaluri K&H Personalized Medicine Clinic).

NM_000352.6(ABCC8):c.1923+10C>T

Gene: ABCC8 (ATP binding cassette subfamily C member 8; minus strand). Cytogenetic location: 11p15.1.
Variant type: single nucleotide variant.
Coding change: c.1923+10C>T on transcript NM_000352.6 (MANE Select); 10 bases into the intron after coding-DNA position 1923, C replaced by T.
Molecular consequence: intron variant.
Genome position (GRCh38, 1-based): chr11:17,428,555, G>A on the plus strand (C>T on the coding strand, the complement: ABCC8 is on the minus strand). VCF-style: chr11-17428555-G-A. GRCh37 (hg19) VCF-style: chr11-17450102-G-A.
Other names: c.1920+10C>T (NM_001351297.2, NM_001351296.2); c.1923+10C>T (NM_001351295.2, NM_001287174.3).
Identifiers: ClinVar variation 763331 (VCV000763331.11), dbSNP rs775087598, ClinGen allele CA5903394.